The following is an entry in ClinVar:

ClinVar aggregate classification (germline): Likely pathogenic. Review status: criteria provided, single submitter (1 of 4 stars). 2 submissions from 2 submitters: Likely pathogenic (1). 1 of the submissions does not count toward it. Last evaluated 2021-09-27.

Conditions:
Tuberous sclerosis syndrome (TSC). Also called: Tuberous Sclerosis Complex; Tuberous sclerosis. Identifiers: Orphanet 805, MedGen C0041341, MONDO:0001734.

Submissions (2):

Women's Health and Genetics/Laboratory Corporation of America, LabCorp
Classification: Likely pathogenic for Tuberous sclerosis syndrome. Last evaluated: 2021-09-27. Review status: criteria provided, single submitter. Criteria: LabCorp Variant Classification Summary - May 2015. Collection method: clinical testing. Allele origin: germline.
Comment: Variant summary: TSC2 c.4316dupG (p.Gln1440ProfsX84) results in a premature termination codon, predicted to cause a truncation of the encoded protein or absence of the protein due to nonsense mediated decay, which are commonly known mechanisms for disease. Truncations downstream of this position have been classified as pathogenic in other databases (e.g. ClinVar, HGMD). The variant was absent in 238204 control chromosomes. To our knowledge, no occurrence of c.4316dupG in individuals affected with Tuberous Sclerosis Complex and no experimental evidence demonstrating its impact on protein function have been reported. No clinical diagnostic laboratories have submitted clinical-significance assessments for this variant to ClinVar after 2014. Based on the evidence outlined above, the variant was classified as likely pathogenic.

Tuberous sclerosis database (TSC2)
No classification provided. Condition: TSC. Review status: no classification provided. Criteria: Tuberous Sclerosis Database Assertion Criteria 2015. Collection method: curation. Allele origin: germline. Affected: yes. Not counted in ClinVar's aggregate classification.

NM_000548.5(TSC2):c.4316dup (p.Gln1440fs)

Gene: TSC2 (TSC complex subunit 2; plus strand). Cytogenetic location: 16p13.3.
Variant type: Duplication.
Coding change: c.4316dup on transcript NM_000548.5 (MANE Select); coding-DNA position 4316, one base duplicated (G; older notation c.4316dupG).
Protein change: p.Gln1440fs; shifts the reading frame from glutamine 1440.
Molecular consequence: frameshift variant.
Genome position (GRCh38, 1-based): chr16:2,084,538, G duplicated; the last of 4 consecutive G bases (chr16:2,084,535-2,084,538); duplicating any one gives the same sequence. VCF-style (leftmost placement, unchanged base first): chr16-2084534-C-CG. GRCh37 (hg19) VCF-style: chr16-2134535-C-CG.
Other names: c.4115dup, p.Gln1373fs (NM_001077183.3); c.4247dup, p.Gln1417fs (NM_001114382.3); c.4007dup, p.Gln1337fs (NM_001318827.2); c.3971dup, p.Gln1325fs (NM_001318829.2); c.3584dup, p.Gln1196fs (NM_001318831.2); c.4148dup, p.Gln1384fs (NM_001318832.2); c.4118dup, p.Gln1374fs (NM_001363528.2); c.4184dup, p.Gln1396fs (NM_001370404.1); and 1 more; short protein forms Q1384fs, Q1397fs, Q1417fs, Q1440fs, Q1196fs, Q1337fs, Q1373fs, Q1325fs.
Identifiers: ClinVar variation 49771 (VCV000049771.3), dbSNP rs137853988, ClinGen allele CA020255.